The following is an entry in ClinVar:

ClinVar aggregate classification (germline): Uncertain significance (1 of 4 stars; one submission).

Conditions:
Myofibrillar myopathy 5. Also called: Filaminopathy (type); FILAMINOPATHY, AUTOSOMAL DOMINANT. Identifiers: Orphanet 171445, MedGen C1836050, MONDO:0012289, OMIM 609524.
Distal myopathy with posterior leg and anterior hand involvement. Also called: WILLIAMS DISTAL MYOPATHY. Identifiers: Orphanet 63273, MedGen C3279722, MONDO:0013550, OMIM 614065.
Hypertrophic cardiomyopathy 26. Also called: Cardiomyopathy, familial hypertrophic, 26. Identifiers: Orphanet 75249, MedGen C4310749, MONDO:0014883, OMIM 617047.

Submission:

Labcorp Genetics (formerly Invitae), Labcorp
Classification: Uncertain significance for Distal myopathy with posterior leg and anterior hand involvement; Myofibrillar myopathy 5; Hypertrophic cardiomyopathy 26. Last evaluated: 2023-09-23. Review status: criteria provided, single submitter. Criteria: Invitae Variant Classification Sherloc (09022015). Collection method: clinical testing. Allele origin: germline.
Comment: Advanced modeling of protein sequence and biophysical properties (such as structural, functional, and spatial information, amino acid conservation, physicochemical variation, residue mobility, and thermodynamic stability) has been performed at Invitae for this missense variant, however the output from this modeling did not meet the statistical confidence thresholds required to predict the impact of this variant on FLNC protein function. This sequence change replaces threonine, which is neutral and polar, with alanine, which is neutral and non-polar, at codon 136 of the FLNC protein (p.Thr136Ala). This variant is not present in population databases (gnomAD no frequency). This variant has not been reported in the literature in individuals affected with FLNC-related conditions. In summary, the available evidence is currently insufficient to determine the role of this variant in disease. Therefore, it has been classified as a Variant of Uncertain Significance.

NM_001458.5(FLNC):c.406A>G (p.Thr136Ala)

Gene: FLNC (filamin C; plus strand). Cytogenetic location: 7q32.1.
Variant type: single nucleotide variant.
Coding change: c.406A>G on transcript NM_001458.5 (MANE Select); coding-DNA position 406, A replaced by G.
Protein change: p.Thr136Ala; replaces threonine 136 with alanine.
Molecular consequence: missense variant.
Genome position (GRCh38, 1-based): chr7:128,835,379, A>G. VCF-style: chr7-128835379-A-G. GRCh37 (hg19) VCF-style: chr7-128475433-A-G.
Other names: c.406A>G, p.Thr136Ala (NM_001127487.2); short protein forms T136A.
Identifiers: ClinVar variation 2952210 (VCV002952210.3), dbSNP rs2536614500, ClinGen allele CA369218874.
Genomic context (GRCh38, chr7:128,835,379, plus strand): 5'-TCTGCAGACAGCAAGGCCATCGTGGATGGGAACCTGAAGCTGATCCTGGGCCTGATCTGG[A>G]CGCTGATCCTGCACTACTCCATCTCCATGCCCATGTGGGAGGATGAAGATGATGAGGATG-3'
Protein context (NP_001449.3, residues 126-146): NLKLILGLIW[Thr136Ala]LILHYSISMP